The following is an entry in ClinVar:

ClinVar aggregate classification (germline): Uncertain significance (1 of 4 stars; one submission).

Conditions:
STING-associated vasculopathy with onset in infancy. Also called: Sting-associated vasculopathy, infantile-onset. Identifiers: Orphanet 425120, MedGen C4014722, MONDO:0014405, OMIM 615934.

Allele frequency attached by ClinVar (database versions not stated): TOPMed below 0.00001.

Submission:

Labcorp Genetics (formerly Invitae), Labcorp
Classification: Uncertain significance for STING-associated vasculopathy with onset in infancy. Last evaluated: 2022-06-03. Review status: criteria provided, single submitter. Criteria: Invitae Variant Classification Sherloc (09022015). Collection method: clinical testing. Allele origin: germline.
Comment: In summary, the available evidence is currently insufficient to determine the role of this variant in disease. Therefore, it has been classified as a Variant of Uncertain Significance. Algorithms developed to predict the effect of sequence changes on RNA splicing suggest that this variant may disrupt the consensus splice site. This sequence change affects a donor splice site in intron 3 of the TMEM173 gene. It is expected to disrupt RNA splicing. Variants that disrupt the donor or acceptor splice site typically lead to a loss of protein function (PMID: 16199547), however the current clinical and genetic evidence is not sufficient to establish whether loss-of-function variants in TMEM173 cause disease. This variant is not present in population databases (gnomAD no frequency). This variant has not been reported in the literature in individuals affected with TMEM173-related conditions.

Literature cited by the submitters: PubMed 16199547.

NM_198282.4(STING1):c.227+1G>A

Gene: STING1 (stimulator of interferon response cGAMP interactor 1; minus strand). Cytogenetic location: 5q31.2.
Variant type: single nucleotide variant.
Coding change: c.227+1G>A on transcript NM_198282.4 (MANE Select); the canonical splice donor site of the intron after coding-DNA position 227, G replaced by A.
Molecular consequence: splice donor variant. On other transcripts: intron variant (1).
Genome position (GRCh38, 1-based): chr5:139,481,477, C>T on the plus strand (G>A on the coding strand, the complement: STING1 is on the minus strand). VCF-style: chr5-139481477-C-T. GRCh37 (hg19) VCF-style: chr5-138861062-C-T.
Other names: c.-130-135G>A (NM_001367258.1); c.227+1G>A (NM_001301738.2).
Identifiers: ClinVar variation 1680274 (VCV001680274.6), dbSNP rs1751846731, ClinGen allele CA361481599.
Genomic context (GRCh38, chr5:139,481,477, plus strand): 5'-CTAGGCATCAAGGGAGTGACACACGTTGGATACCCCGTCCCTGGGTACTGCAGTGAGTCA[C>T]CTGGAGTGGATGTGGCGCAGCTCCTCAGCCAGGCTGCAGACCCCGTTTAACAGCAGTCCC-3'